The following is an entry in ClinVar:

ClinVar aggregate classification (germline): Uncertain significance (1 of 4 stars; one submission).

Conditions:
Fanconi anemia (FA). Also called: Fanconi's anemia. Identifiers: Orphanet 84, MedGen C0015625, MeSH D005199, MONDO:0019391.

Allele frequency attached by ClinVar (database versions not stated): gnomAD exomes below 0.00001 and 0.00001; ExAC 0.00001.
gnomAD v4.1: 8 of 1,611,748 alleles (0.0005%); highest among the groups gnomAD compares: Non-Finnish European, 0.00059%; no homozygotes.

Submission:

Labcorp Genetics (formerly Invitae), Labcorp
Classification: Uncertain significance for Fanconi anemia. Last evaluated: 2021-04-04. Review status: criteria provided, single submitter. Criteria: Invitae Variant Classification Sherloc (09022015). Collection method: clinical testing. Allele origin: germline.
Comment: In summary, the available evidence is currently insufficient to determine the role of this variant in disease. Therefore, it has been classified as a Variant of Uncertain Significance. Algorithms developed to predict the effect of missense changes on protein structure and function are either unavailable or do not agree on the potential impact of this missense change (SIFT: "Deleterious"; PolyPhen-2: "Benign"; Align-GVGD: "Class C0"). This variant has not been reported in the literature in individuals with FANCM-related conditions. This variant is present in population databases (rs773541028, ExAC 0.001%). This sequence change replaces threonine with isoleucine at codon 746 of the FANCM protein (p.Thr746Ile). The threonine residue is moderately conserved and there is a moderate physicochemical difference between threonine and isoleucine.

NM_020937.4(FANCM):c.2237C>T (p.Thr746Ile)

Gene: FANCM (FA complementation group M; plus strand). Cytogenetic location: 14q21.2.
Variant type: single nucleotide variant.
Coding change: c.2237C>T on transcript NM_020937.4 (MANE Select); coding-DNA position 2237, C replaced by T.
Protein change: p.Thr746Ile; replaces threonine 746 with isoleucine.
Molecular consequence: missense variant.
Genome position (GRCh38, 1-based): chr14:45,173,131, C>T. VCF-style: chr14-45173131-C-T. GRCh37 (hg19) VCF-style: chr14-45642334-C-T.
Other names: c.2159C>T, p.Thr720Ile (NM_001308133.2); short protein forms T720I, T746I.
Identifiers: ClinVar variation 1368381 (VCV001368381.8), dbSNP rs773541028, ClinGen allele CA7169293.